The following is an entry in ClinVar:

NM_001371928.1(AHDC1):c.2917G>A (p.Gly973Ser)

Gene: AHDC1 (AT-hook DNA binding motif containing 1; minus strand). Cytogenetic location: 1p36.11.
Variant type: single nucleotide variant.
Coding change: c.2917G>A on transcript NM_001371928.1 (MANE Select); coding-DNA position 2917, G replaced by A.
Protein change: p.Gly973Ser; replaces glycine 973 with serine.
Molecular consequence: missense variant.
Genome position (GRCh38, 1-based): chr1:27,549,199, C>T on the plus strand (G>A on the coding strand, the complement: AHDC1 is on the minus strand). VCF-style: chr1-27549199-C-T. GRCh37 (hg19) VCF-style: chr1-27875710-C-T.
Other names: c.2917G>A, p.Gly973Ser (NM_001029882.3); short protein forms G973S.
Identifiers: ClinVar variation 1708785 (VCV001708785.7), dbSNP rs1483598119, ClinGen allele CA339229093.

ClinVar aggregate classification (germline): Uncertain significance. Review status: criteria provided, multiple submitters, no conflicts (2 of 4 stars). 3 submissions from 3 submitters: Uncertain significance (3). Last evaluated 2024-05-21.

Conditions:
Inborn genetic diseases. Identifiers: MedGen C0950123, MeSH D030342.

Allele frequency attached by ClinVar (database versions not stated): TOPMed below 0.00001; gnomAD 0.00001.

Submissions (3):

Labcorp Genetics (formerly Invitae), Labcorp
Classification: Uncertain significance. Last evaluated: 2024-05-21. Review status: criteria provided, single submitter. Criteria: Invitae Variant Classification Sherloc (09022015). Collection method: clinical testing. Allele origin: germline.
Comment: This sequence change replaces glycine, which is neutral and non-polar, with serine, which is neutral and polar, at codon 973 of the AHDC1 protein (p.Gly973Ser). This variant is present in population databases (no rsID available, gnomAD 0.006%). This variant has not been reported in the literature in individuals affected with AHDC1-related conditions. ClinVar contains an entry for this variant (Variation ID: 1708785). Algorithms developed to predict the effect of missense changes on protein structure and function output the following: SIFT: "Not Available"; PolyPhen-2: "Probably Damaging"; Align-GVGD: "Not Available". The serine amino acid residue is found in multiple mammalian species, which suggests that this missense change does not adversely affect protein function. In summary, the available evidence is currently insufficient to determine the role of this variant in disease. Therefore, it has been classified as a Variant of Uncertain Significance.

GeneDx
Classification: Uncertain significance. Last evaluated: 2022-04-09. Review status: criteria provided, single submitter. Criteria: GeneDx Variant Classification Process June 2021. Collection method: clinical testing. Allele origin: germline. Affected: yes.
Comment: In silico analysis supports that this missense variant does not alter protein structure/function; Has not been previously published as pathogenic or benign to our knowledge

Ambry Genetics
Classification: Uncertain significance for Inborn genetic diseases. Last evaluated: 2022-04-06. Review status: criteria provided, single submitter. Criteria: Ambry Variant Classification Scheme 2023. Collection method: clinical testing. Allele origin: germline.